The following is an entry in ClinVar:

ClinVar aggregate classification (germline): Pathogenic (1 of 4 stars; one submission).

Conditions:
Alagille syndrome due to a JAG1 point mutation. Also called: HEPATIC DUCTULAR HYPOPLASIA, SYNDROMATIC; Alagille Syndrome 1; JAG1-Related Alagille Syndrome. Identifiers: Orphanet 261619, Orphanet 52, MedGen C1956125, MONDO:0016862, OMIM 118450.

Submission:

Labcorp Genetics (formerly Invitae), Labcorp
Classification: Pathogenic for Alagille syndrome 1. Last evaluated: 2018-07-24. Review status: criteria provided, single submitter. Criteria: Invitae Variant Classification Sherloc (09022015). Collection method: clinical testing. Allele origin: germline.
Comment: This sequence change creates a premature translational stop signal (p.Lys619Argfs*9) in the JAG1 gene. It is expected to result in an absent or disrupted protein product. This variant is not present in population databases (ExAC no frequency). This variant has not been reported in the literature in individuals with JAG1-related disease. Algorithms developed to predict the effect of sequence changes on RNA splicing suggest that this variant may create or strengthen a splice site, but this prediction has not been confirmed by published transcriptional studies. Loss-of-function variants in JAG1 are known to be pathogenic (PMID: 11180599). For these reasons, this variant has been classified as Pathogenic.

NM_000214.3(JAG1):c.1856_1857del (p.Lys619fs)

Gene: JAG1 (jagged canonical Notch ligand 1; minus strand). Cytogenetic location: 20p12.2.
Variant type: Deletion.
Coding change: c.1856_1857del on transcript NM_000214.3 (MANE Select); coding-DNA positions 1856 to 1857, 2 bases deleted (AA; older notation c.1856_1857delAA).
Protein change: p.Lys619fs; shifts the reading frame from lysine 619.
Molecular consequence: frameshift variant.
Genome position (GRCh38, 1-based): chr20:10,646,967-10,646,968, TT deleted on the plus strand (AA on the coding strand, the reverse complement: JAG1 is on the minus strand); deleting any 2 consecutive bases within chr20:10,646,967-10,646,969 gives the same sequence; the c. name uses the placement nearest the transcript's 3' end. VCF-style (leftmost placement, unchanged base first): chr20-10646966-CTT-C. GRCh37 (hg19) VCF-style: chr20-10627614-CTT-C.
Other names: c.1856_1857del, p.Lys619fs (LRG_1191t1); short protein forms K619fs.
Identifiers: ClinVar variation 648866 (VCV000648866.1), dbSNP rs1600182812, ClinGen allele CA915953093.